The following is an entry in ClinVar:

ClinVar aggregate classification (germline): Conflicting classifications of pathogenicity. Review status: criteria provided, conflicting classifications (1 of 4 stars). 5 submissions from 5 submitters: Likely pathogenic (3); Uncertain significance (2). Last evaluated 2025-08-06.

Conditions:
Charcot-Marie-Tooth disease. Also called: Charcot-Marie-Tooth Hereditary Neuropathy; Charcot-Marie-Tooth Neuropathy. Identifiers: Orphanet 166, MedGen C0007959, MONDO:0015626.
Charcot-Marie-Tooth disease, type I (CMT1). Also called: Charcot-Marie-Tooth, Type 1; Charcot-Marie-Tooth disease type 1. Identifiers: Orphanet 65753, MedGen C0751036, MONDO:0019011.

Submissions (5):

Labcorp Genetics (formerly Invitae), Labcorp
Classification: Uncertain significance for Charcot-Marie-Tooth disease, type I. Last evaluated: 2025-08-06. Review status: criteria provided, single submitter. Criteria: Invitae Variant Classification Sherloc (09022015). Collection method: clinical testing. Allele origin: germline.
Comment: This sequence change replaces tyrosine, which is neutral and polar, with cysteine, which is neutral and slightly polar, at codon 145 of the MPZ protein (p.Tyr145Cys). This variant is not present in population databases (gnomAD no frequency). This variant has not been reported in the literature in individuals affected with MPZ-related conditions. ClinVar contains an entry for this variant (Variation ID: 430459). Invitae Evidence Modeling of protein sequence and biophysical properties (such as structural, functional, and spatial information, amino acid conservation, physicochemical variation, residue mobility, and thermodynamic stability) indicates that this missense variant is not expected to disrupt MPZ protein function with a negative predictive value of 80%. This variant disrupts the p.Tyr145 amino acid residue in MPZ. Other variant(s) that disrupt this residue have been determined to be pathogenic (PMID: 12805115, 12845552). This suggests that this residue is clinically significant, and that variants that disrupt this residue are likely to be disease-causing. In summary, the available evidence is currently insufficient to determine the role of this variant in disease. Therefore, it has been classified as a Variant of Uncertain Significance.

GeneDx
Classification: Likely pathogenic. Last evaluated: 2024-12-19. Review status: criteria provided, single submitter. Criteria: GeneDx Variant Classification Process June 2021. Collection method: clinical testing. Allele origin: germline. Affected: yes.
Comment: Has not been previously published as pathogenic or benign to our knowledge; Not observed at significant frequency in large population cohorts (gnomAD); Missense variants in this gene are a common cause of disease and they are underrepresented in the general population; In silico analysis indicates that this missense variant does not alter protein structure/function; In silico analysis is inconclusive as to whether the variant alters gene splicing. In the absence of RNA/functional studies, the actual effect of this sequence change is unknown.; This variant is associated with the following publications: (PMID: 26310628, 20461396)

Mayo Clinic Laboratories, Mayo Clinic
Classification: Uncertain significance. Last evaluated: 2024-05-20. Review status: criteria provided, single submitter. Criteria: ACMG Guidelines, 2015. Collection method: clinical testing. Allele origin: germline. Observed: 1 variant allele.
Comment: PM2, PM5

Institute of Medical Genetics and Applied Genomics, University Hospital Tübingen
Classification: Likely pathogenic. Last evaluated: 2020-10-23. Review status: criteria provided, single submitter. Criteria: ACMG Guidelines, 2015. Collection method: clinical testing. Allele origin: germline. Inheritance: Autosomal unknown. Affected: yes.

Molecular Genetics Laboratory, London Health Sciences Centre
Classification: Likely pathogenic for Charcot-Marie-Tooth disease. Review status: criteria provided, single submitter. Criteria: ACMG Guidelines, 2015. Collection method: clinical testing. Allele origin: germline. Affected: yes.

Literature cited by the submitters: PubMed 12805115 (cited by Labcorp Genetics (formerly Invitae), Labcorp); PubMed 12845552 (cited by Labcorp Genetics (formerly Invitae), Labcorp).

NM_000530.8(MPZ):c.434A>G (p.Tyr145Cys)

Gene: MPZ (myelin protein zero; minus strand). Cytogenetic location: 1q23.3.
Variant type: single nucleotide variant.
Coding change: c.434A>G on transcript NM_000530.8 (MANE Select); coding-DNA position 434, A replaced by G.
Protein change: p.Tyr145Cys; replaces tyrosine 145 with cysteine.
Molecular consequence: missense variant.
Genome position (GRCh38, 1-based): chr1:161,306,722, T>C on the plus strand (A>G on the coding strand, the complement: MPZ is on the minus strand). VCF-style: chr1-161306722-T-C. GRCh37 (hg19) VCF-style: chr1-161276512-T-C.
Other names: p.Tyr145Cys; c.434A>G (LRG_256t1); c.434A>G, p.Tyr145Cys (NM_001315491.2); short protein forms Y145C.
Identifiers: ClinVar variation 430459 (VCV000430459.12), dbSNP rs121913603, ClinGen allele CA343348241.